The following is an entry in ClinVar:

ClinVar aggregate classification (germline): Uncertain significance (1 of 4 stars; one submission).

Conditions:
Peroxisome biogenesis disorder. Identifiers: Orphanet 79189, MedGen C1832200, MONDO:0019234. Disease mechanism: loss of function.

Allele frequency attached by ClinVar (database versions not stated): gnomAD exomes below 0.00001; gnomAD 0.00001; TOPMed 0.00001.
gnomAD v4.1: 2 of 1,613,986 alleles (0.00012%); highest among the groups gnomAD compares: Non-Finnish European, 0.00017%; no homozygotes.

Submission:

Labcorp Genetics (formerly Invitae), Labcorp
Classification: Uncertain significance for Peroxisome biogenesis disorder. Last evaluated: 2022-06-04. Review status: criteria provided, single submitter. Criteria: Invitae Variant Classification Sherloc (09022015). Collection method: clinical testing. Allele origin: germline.
Comment: In summary, the available evidence is currently insufficient to determine the role of this variant in disease. Therefore, it has been classified as a Variant of Uncertain Significance. Algorithms developed to predict the effect of missense changes on protein structure and function (SIFT, PolyPhen-2, Align-GVGD) all suggest that this variant is likely to be disruptive. This variant has not been reported in the literature in individuals affected with PEX6-related conditions. This variant is not present in population databases (gnomAD no frequency). This sequence change replaces cysteine, which is neutral and slightly polar, with arginine, which is basic and polar, at codon 798 of the PEX6 protein (p.Cys798Arg).

NM_000287.4(PEX6):c.2392T>C (p.Cys798Arg)

Gene: PEX6 (peroxisomal biogenesis factor 6; minus strand). Cytogenetic location: 6p21.1.
Variant type: single nucleotide variant.
Coding change: c.2392T>C on transcript NM_000287.4 (MANE Select); coding-DNA position 2392, T replaced by C.
Protein change: p.Cys798Arg; replaces cysteine 798 with arginine.
Molecular consequence: missense variant. On other transcripts: non-coding transcript variant (1).
Genome position (GRCh38, 1-based): chr6:42,965,760, A>G on the plus strand (T>C on the coding strand, the complement: PEX6 is on the minus strand). VCF-style: chr6-42965760-A-G. GRCh37 (hg19) VCF-style: chr6-42933498-A-G.
Other names: c.2128T>C, p.Cys710Arg (NM_001316313.2); short protein forms C710R, C798R.
Identifiers: ClinVar variation 1987081 (VCV001987081.4), dbSNP rs899437403, ClinGen allele CA138222498.